The following is an entry in ClinVar:

NM_030957.4(ADAMTS10):c.1181T>C (p.Ile394Thr)

Gene: ADAMTS10 (ADAM metallopeptidase with thrombospondin type 1 motif 10; minus strand). Cytogenetic location: 19p13.2.
Variant type: single nucleotide variant.
Coding change: c.1181T>C on transcript NM_030957.4 (MANE Select); coding-DNA position 1181, T replaced by C.
Protein change: p.Ile394Thr; replaces isoleucine 394 with threonine.
Molecular consequence: missense variant.
Genome position (GRCh38, 1-based): chr19:8,596,316, A>G on the plus strand (T>C on the coding strand, the complement: ADAMTS10 is on the minus strand). VCF-style: chr19-8596316-A-G. GRCh37 (hg19) VCF-style: chr19-8661200-A-G.
Other names: short protein forms I394T.
Identifiers: ClinVar variation 2983295 (VCV002983295.1), dbSNP rs912385332, ClinGen allele CA305001717.
Genomic context (GRCh38, chr19:8,596,316, plus strand): 5'-GGACCCGCCCAGCTCCTCCCCTCCTCCCCCTCTTGTGTGCCCTGGCCTCACGTGTGCCCG[A>G]TCTCGTGGGCAATGGTGAACGCTGTGGCCAGGCCAATGTCCTCATTGACGCTGCAGCTTC-3'
Protein context (NP_112219.3, residues 384-404): LATAFTIAHE[Ile394Thr]GHTFGMNHDG

ClinVar aggregate classification (germline): Uncertain significance (1 of 4 stars; one submission).

Allele frequency attached by ClinVar (database versions not stated): gnomAD exomes below 0.00001.
gnomAD v4.1: 2 of 1,612,706 alleles (0.00012%); highest among the groups gnomAD compares: Non-Finnish European, 0.00017%; no homozygotes.

Submission:

Labcorp Genetics (formerly Invitae), Labcorp
Classification: Uncertain significance. Last evaluated: 2023-02-22. Review status: criteria provided, single submitter. Criteria: Invitae Variant Classification Sherloc (09022015). Collection method: clinical testing. Allele origin: germline.
Comment: In summary, the available evidence is currently insufficient to determine the role of this variant in disease. Therefore, it has been classified as a Variant of Uncertain Significance. An algorithm developed to predict the effect of missense changes on protein structure and function (PolyPhen-2) suggests that this variant is likely to be disruptive. This variant has not been reported in the literature in individuals affected with ADAMTS10-related conditions. This sequence change replaces isoleucine, which is neutral and non-polar, with threonine, which is neutral and polar, at codon 394 of the ADAMTS10 protein (p.Ile394Thr). This variant is not present in population databases (gnomAD no frequency).